The following is an entry in ClinVar:

ClinVar aggregate classification (germline): Uncertain significance. Review status: criteria provided, multiple submitters, no conflicts (2 of 4 stars). 3 submissions from 3 submitters: Uncertain significance (3). Last evaluated 2025-01-25.

Conditions:
Fanconi anemia (FA). Also called: Fanconi's anemia. Identifiers: Orphanet 84, MedGen C0015625, MeSH D005199, MONDO:0019391.
Inborn genetic diseases. Identifiers: MedGen C0950123, MeSH D030342.

Allele frequency attached by ClinVar (database versions not stated): ExAC 0.00001; gnomAD exomes 0.00001.
gnomAD v4.1: 15 of 1,614,218 alleles (0.00093%); highest among the groups gnomAD compares: Non-Finnish European, 0.0011%; no homozygotes.

Submissions (3):

Ambry Genetics
Classification: Uncertain significance for Inborn genetic diseases. Last evaluated: 2025-01-25. Review status: criteria provided, single submitter. Criteria: Ambry Variant Classification Scheme 2023. Collection method: clinical testing. Allele origin: germline.
Comment: The p.E523Q variant (also known as c.1567G>C), located in coding exon 12 of the FANCG gene, results from a G to C substitution at nucleotide position 1567. The glutamic acid at codon 523 is replaced by glutamine, an amino acid with highly similar properties. This amino acid position is conserved. In addition, this alteration is predicted to be tolerated by in silico analysis. Based on the available evidence, the clinical significance of this variant remains unclear.

Labcorp Genetics (formerly Invitae), Labcorp
Classification: Uncertain significance for Fanconi anemia. Last evaluated: 2022-06-18. Review status: criteria provided, single submitter. Criteria: Invitae Variant Classification Sherloc (09022015). Collection method: clinical testing. Allele origin: germline.
Comment: This sequence change replaces glutamic acid, which is acidic and polar, with glutamine, which is neutral and polar, at codon 523 of the FANCG protein (p.Glu523Gln). This variant is present in population databases (rs761993636, gnomAD 0.002%). This variant has not been reported in the literature in individuals affected with FANCG-related conditions. ClinVar contains an entry for this variant (Variation ID: 252633). Algorithms developed to predict the effect of missense changes on protein structure and function output the following: SIFT: "Tolerated"; PolyPhen-2: "Benign"; Align-GVGD: "Class C0". The glutamine amino acid residue is found in multiple mammalian species, which suggests that this missense change does not adversely affect protein function. In summary, the available evidence is currently insufficient to determine the role of this variant in disease. Therefore, it has been classified as a Variant of Uncertain Significance.

Genomic Diagnostic Laboratory, Division of Genomic Diagnostics, Children's Hospital of Philadelphia
Classification: Uncertain significance. Last evaluated: 2015-07-29. Review status: criteria provided, single submitter. Criteria: DGD Variant Analysis Guidelines. Collection method: clinical testing. Allele origin: unknown.

NM_004629.2(FANCG):c.1567G>C (p.Glu523Gln)

Gene: FANCG (FA complementation group G; minus strand). Cytogenetic location: 9p13.3.
Variant type: single nucleotide variant.
Coding change: c.1567G>C on transcript NM_004629.2 (MANE Select); coding-DNA position 1567, G replaced by C.
Protein change: p.Glu523Gln; replaces glutamic acid 523 with glutamine.
Molecular consequence: missense variant.
Genome position (GRCh38, 1-based): chr9:35,074,996, C>G on the plus strand (G>C on the coding strand, the complement: FANCG is on the minus strand). VCF-style: chr9-35074996-C-G. GRCh37 (hg19) VCF-style: chr9-35074993-C-G.
Other names: short protein forms E523Q.
Identifiers: ClinVar variation 252633 (VCV000252633.5), dbSNP rs761993636, ClinGen allele CA5039696.